The following is an entry in ClinVar:

ClinVar aggregate classification (germline): Uncertain significance (1 of 4 stars; one submission).

Conditions:
Inborn genetic diseases. Identifiers: MedGen C0950123, MeSH D030342.

Submission:

Ambry Genetics
Classification: Uncertain significance for Inborn genetic diseases. Last evaluated: 2025-04-14. Review status: criteria provided, single submitter. Criteria: Ambry Variant Classification Scheme 2023. Collection method: clinical testing. Allele origin: germline.
Comment: The p.L505F variant (also known as c.1515G>T), located in coding exon 8 of the MECOM gene, results from a G to T substitution at nucleotide position 1515. The leucine at codon 505 is replaced by phenylalanine, an amino acid with highly similar properties. This amino acid position is conserved. In addition, the in silico prediction for this alteration is inconclusive. Based on the available evidence, the clinical significance of this variant remains unclear.

NM_004991.4(MECOM):c.1515G>T (p.Leu505Phe)

Gene: MECOM (MDS1 and EVI1 complex locus; minus strand). Cytogenetic location: 3q26.2.
Variant type: single nucleotide variant.
Coding change: c.1515G>T on transcript NM_004991.4 (MANE Select); coding-DNA position 1515, G replaced by T.
Protein change: p.Leu505Phe; replaces leucine 505 with phenylalanine.
Molecular consequence: missense variant. On other transcripts: intron variant (2).
Genome position (GRCh38, 1-based): chr3:169,116,357, C>A on the plus strand (G>T on the coding strand, the complement: MECOM is on the minus strand). VCF-style: chr3-169116357-C-A. GRCh37 (hg19) VCF-style: chr3-168834145-C-A.
Other names: c.1146G>T, p.Leu382Phe (NM_001105077.4); c.951G>T, p.Leu317Phe (NM_001105078.4, NM_001164000.2, NM_001205194.2 and 4 more transcripts); c.954G>T, p.Leu318Phe (NM_001163999.2, NM_001366467.2, NM_001366468.2 and 1 more transcripts); c.1515G>T, p.Leu505Phe (NM_001366466.2); c.1133-590G>T (NM_001366473.2); c.569-590G>T (NM_001366474.2); short protein forms L505F, L317F, L382F, L318F.
Identifiers: ClinVar variation 4053188 (VCV004053188.1).